The following is an entry in ClinVar:

ClinVar aggregate classification (germline): Benign/Likely benign. Review status: criteria provided, multiple submitters, no conflicts (2 of 4 stars). 4 submissions from 4 submitters: Benign (2); Likely benign (2). Last evaluated 2024-02-09.

Allele frequency attached by ClinVar (database versions not stated): gnomAD exomes 0.00087; ExAC 0.00108; ESP Exome Variant Server 0.00335; 1000 Genomes Project 0.00379; gnomAD 0.00395; TOPMed 0.00428; 1000 Genomes Project 30x 0.00437.
gnomAD v4.1: 1,074 of 1,614,166 alleles (0.067%); highest among the groups gnomAD compares: African/African-American, 1.2%; 2 homozygotes.

Submissions (4):

Blueprint Genetics
Classification: Likely benign. Last evaluated: 2024-02-09. Review status: criteria provided, single submitter. Criteria: ACMG Guidelines, 2015. Collection method: clinical testing. Allele origin: germline.

CeGaT Center for Human Genetics Tuebingen
Classification: Likely benign. Last evaluated: 2023-02-01. Review status: criteria provided, single submitter. Criteria: CeGaT Center For Human Genetics Tuebingen Variant Classification Criteria Version 2. Collection method: clinical testing. Allele origin: germline. Affected: yes. Observed: 1 variant allele.
Comment: VWA3B: BP4, BS1

Labcorp Genetics (formerly Invitae), Labcorp
Classification: Benign. Last evaluated: 2019-12-31. Review status: criteria provided, single submitter. Criteria: Invitae Variant Classification Sherloc (09022015). Collection method: clinical testing. Allele origin: germline.

Breakthrough Genomics
Classification: Benign. Review status: criteria provided, single submitter. Criteria: ACMG Guidelines, 2015. Collection method: not provided. Allele origin: germline. Inheritance: Autosomal recessive inheritance. Affected: yes.

NM_144992.5(VWA3B):c.1145C>T (p.Ser382Leu)

Gene: VWA3B (von Willebrand factor A domain containing 3B; plus strand). Cytogenetic location: 2q11.2.
Variant type: single nucleotide variant.
Coding change: c.1145C>T on transcript NM_144992.5 (MANE Select); coding-DNA position 1145, C replaced by T.
Protein change: p.Ser382Leu; replaces serine 382 with leucine.
Molecular consequence: missense variant. On other transcripts: non-coding transcript variant (3).
Genome position (GRCh38, 1-based): chr2:98,181,046, C>T. VCF-style: chr2-98181046-C-T. GRCh37 (hg19) VCF-style: chr2-98797509-C-T.
Other names: c.116C>T, p.Ser39Leu (NM_001345864.2); short protein forms S39L, S382L.
Identifiers: ClinVar variation 791864 (VCV000791864.30), dbSNP rs114266684, ClinGen allele CA1792461.